The following is an entry in ClinVar:

NM_198859.4(PRICKLE2):c.1632G>A (p.Met544Ile)

Gene: PRICKLE2 (prickle planar cell polarity protein 2; minus strand). Cytogenetic location: 3p14.1.
Variant type: single nucleotide variant.
Coding change: c.1632G>A on transcript NM_198859.4 (MANE Select); coding-DNA position 1632, G replaced by A.
Protein change: p.Met544Ile; replaces methionine 544 with isoleucine.
Molecular consequence: missense variant.
Genome position (GRCh38, 1-based): chr3:64,146,858, C>T on the plus strand (G>A on the coding strand, the complement: PRICKLE2 is on the minus strand). VCF-style: chr3-64146858-C-T. GRCh37 (hg19) VCF-style: chr3-64132534-C-T.
Other names: c.1632G>A, p.Met544Ile (NM_001370528.1); short protein forms M544I.
Identifiers: ClinVar variation 4759927 (VCV004759927.1).

ClinVar aggregate classification (germline): Uncertain significance (1 of 4 stars; one submission).

Conditions:
Progressive myoclonic epilepsy type 5. Identifiers: Orphanet 402082, MedGen C5190799.

Submission:

Labcorp Genetics (formerly Invitae), Labcorp
Classification: Uncertain significance for Progressive myoclonic epilepsy type 5. Last evaluated: 2025-07-13. Review status: criteria provided, single submitter. Criteria: Invitae Variant Classification Sherloc (09022015). Collection method: clinical testing. Allele origin: germline.
Comment: This sequence change replaces methionine, which is neutral and non-polar, with isoleucine, which is neutral and non-polar, at codon 544 of the PRICKLE2 protein (p.Met544Ile). This variant is present in population databases (no rsID available, gnomAD 0.0009%). This variant has not been reported in the literature in individuals affected with PRICKLE2-related conditions. Invitae Evidence Modeling of protein sequence and biophysical properties (such as structural, functional, and spatial information, amino acid conservation, physicochemical variation, residue mobility, and thermodynamic stability) indicates that this missense variant is not expected to disrupt PRICKLE2 protein function with a negative predictive value of 80%. In summary, the available evidence is currently insufficient to determine the role of this variant in disease. Therefore, it has been classified as a Variant of Uncertain Significance.